The following is an entry in ClinVar:

NM_199420.4(POLQ):c.3971T>G (p.Leu1324Arg)

Gene: POLQ (DNA polymerase theta; minus strand). Cytogenetic location: 3q13.33.
Variant type: single nucleotide variant.
Coding change: c.3971T>G on transcript NM_199420.4 (MANE Select); coding-DNA position 3971, T replaced by G.
Protein change: p.Leu1324Arg; replaces leucine 1324 with arginine.
Molecular consequence: missense variant.
Genome position (GRCh38, 1-based): chr3:121,488,960, A>C on the plus strand (T>G on the coding strand, the complement: POLQ is on the minus strand). VCF-style: chr3-121488960-A-C. GRCh37 (hg19) VCF-style: chr3-121207807-A-C.
Other names: short protein forms L1324R.
Identifiers: ClinVar variation 2448948 (VCV002448948.5), dbSNP rs573986613, ClinGen allele CA2562981.

ClinVar aggregate classification (germline): Uncertain significance. Review status: criteria provided, single submitter (1 of 4 stars). 2 submissions from 2 submitters: Uncertain significance (1). 1 of the submissions does not count toward it. Last evaluated 2024-11-16.

Conditions:
POLQ-related disorder. Also called: POLQ-related condition.

Allele frequency attached by ClinVar (database versions not stated): TOPMed 0.00004; gnomAD 0.00012; gnomAD exomes 0.00022; ExAC 0.00060; 1000 Genomes Project 30x 0.00078; 1000 Genomes Project 0.00080.
gnomAD v4.1: 335 of 1,613,994 alleles (0.021%); highest among the groups gnomAD compares: South Asian, 0.34%; 1 homozygote.

Submissions (2):

Ambry Genetics
Classification: Uncertain significance. Last evaluated: 2024-11-16. Review status: criteria provided, single submitter. Criteria: Ambry Variant Classification Scheme 2023. Collection method: clinical testing. Allele origin: germline.
Comment: The p.L1324R variant (also known as c.3971T>G), located in coding exon 16 of the POLQ gene, results from a T to G substitution at nucleotide position 3971. The leucine at codon 1324 is replaced by arginine, an amino acid with dissimilar properties. This amino acid position is conserved. In addition, the in silico prediction for this alteration is inconclusive. Since supporting evidence is limited at this time, the clinical significance of this alteration remains unclear.

PreventionGenetics, part of Exact Sciences
Classification: Likely benign for POLQ-related condition. Last evaluated: 2022-05-10. Review status: no assertion criteria provided. Collection method: clinical testing. Allele origin: germline. Not counted in ClinVar's aggregate classification.
Comment: This variant is classified as likely benign based on ACMG/AMP sequence variant interpretation guidelines (Richards et al. 2015 PMID: 25741868, with internal and published modifications).